The following is an entry in ClinVar:

NM_001130438.3(SPTAN1):c.5264A>G (p.Lys1755Arg)

Gene: SPTAN1 (spectrin alpha, non-erythrocytic 1; plus strand). Cytogenetic location: 9q34.11.
Variant type: single nucleotide variant.
Coding change: c.5264A>G on transcript NM_001130438.3 (MANE Select); coding-DNA position 5264, A replaced by G.
Protein change: p.Lys1755Arg; replaces lysine 1755 with arginine.
Molecular consequence: missense variant.
Genome position (GRCh38, 1-based): chr9:128,615,747, A>G. VCF-style: chr9-128615747-A-G. GRCh37 (hg19) VCF-style: chr9-131378026-A-G.
Other names: c.5189A>G, p.Lys1730Arg (NM_001195532.2); c.5264A>G, p.Lys1755Arg (NM_001363759.2, NM_001375310.1, NM_001375311.2 and 1 more transcripts); c.5204A>G, p.Lys1735Arg (NM_001363765.2, NM_001375314.2); c.5300A>G, p.Lys1767Arg (NM_001375312.2, NM_001375318.1); c.5249A>G, p.Lys1750Arg (NM_003127.4); short protein forms K1750R, K1730R, K1735R, K1767R, K1755R.
Identifiers: ClinVar variation 837431 (VCV000837431.16), dbSNP rs1857087403, ClinGen allele CA375074715.

ClinVar aggregate classification (germline): Uncertain significance. Review status: criteria provided, multiple submitters, no conflicts (2 of 4 stars). 4 submissions from 4 submitters: Uncertain significance (4). Last evaluated 2024-10-23.

Conditions:
Early-infantile DEE. Also called: Early infantile epileptic encephalopathy; Ohtahara syndrome; Early infantile epileptic encephalopathy with suppression bursts. Identifiers: Orphanet 1934, MedGen C0393706, MONDO:0800491.
Inborn genetic diseases. Identifiers: MedGen C0950123, MeSH D030342.
Developmental and epileptic encephalopathy, 5 (DEE5). Identifiers: Orphanet 3451, MedGen C3150731, MONDO:0013277, OMIM 613477.

Allele frequency attached by ClinVar (database versions not stated): gnomAD exomes below 0.00001; TOPMed below 0.00001.
gnomAD v4.1: 2 of 1,614,258 alleles (0.00012%); highest among the groups gnomAD compares: Admixed American, 0.0017%; no homozygotes.

Submissions (4):

Labcorp Genetics (formerly Invitae), Labcorp
Classification: Uncertain significance for Early-infantile DEE. Last evaluated: 2024-10-23. Review status: criteria provided, single submitter. Criteria: Invitae Variant Classification Sherloc (09022015). Collection method: clinical testing. Allele origin: germline.
Comment: This sequence change replaces lysine, which is basic and polar, with arginine, which is basic and polar, at codon 1755 of the SPTAN1 protein (p.Lys1755Arg). This variant is not present in population databases (gnomAD no frequency). This variant has not been reported in the literature in individuals affected with SPTAN1-related conditions. ClinVar contains an entry for this variant (Variation ID: 837431). Invitae Evidence Modeling of protein sequence and biophysical properties (such as structural, functional, and spatial information, amino acid conservation, physicochemical variation, residue mobility, and thermodynamic stability) has been performed for this missense variant. However, the output from this modeling did not meet the statistical confidence thresholds required to predict the impact of this variant on SPTAN1 protein function. In summary, the available evidence is currently insufficient to determine the role of this variant in disease. Therefore, it has been classified as a Variant of Uncertain Significance.

Genome-Nilou Lab
Classification: Uncertain significance for Developmental and epileptic encephalopathy, 5. Last evaluated: 2021-07-15. Review status: criteria provided, single submitter. Criteria: ACMG Guidelines, 2015. Collection method: clinical testing. Allele origin: germline. Affected: no.

GeneDx
Classification: Uncertain significance. Last evaluated: 2019-04-20. Review status: criteria provided, single submitter. Criteria: GeneDx Variant Classification Process June 2021. Collection method: clinical testing. Allele origin: germline. Affected: yes.
Comment: Not observed in large population cohorts (Lek et al., 2016); In silico analysis, which includes protein predictors and evolutionary conservation, supports that this variant does not alter protein structure/function; Has not been previously published as pathogenic or benign to our knowledge; Previously reported pathogenic variants in SPTAN1 include in-frame deletions or duplications located within the last four spectrin repeats of the protein, which are essential for dimerization (Saitsu et al., 2010), and the K1755R residue is outside this region

Ambry Genetics
Classification: Uncertain significance for Inborn genetic diseases. Last evaluated: 2017-06-30. Review status: criteria provided, single submitter. Criteria: Ambry Variant Classification Scheme 2023. Collection method: clinical testing. Allele origin: germline.
Comment: The p.K1755R variant (also known as c.5264A>G), located in coding exon 40 of the SPTAN1 gene, results from an A to G substitution at nucleotide position 5264. The lysine at codon 1755 is replaced by arginine, an amino acid with highly similar properties. This amino acid position is highly conserved in available vertebrate species. In addition, this alteration is predicted to be tolerated by in silico analysis. Since supporting evidence is limited at this time, the clinical significance of this alteration remains unclear.